The following is an entry in ClinVar:

NM_004036.5(ADCY3):c.2736+3G>A

Gene: ADCY3 (adenylate cyclase 3; minus strand). Cytogenetic location: 2p23.3.
Variant type: single nucleotide variant.
Coding change: c.2736+3G>A on transcript NM_004036.5 (MANE Select); 3 bases into the intron after coding-DNA position 2736, G replaced by A.
Molecular consequence: intron variant.
Genome position (GRCh38, 1-based): chr2:24,824,375, C>T on the plus strand (G>A on the coding strand, the complement: ADCY3 is on the minus strand). VCF-style: chr2-24824375-C-T. GRCh37 (hg19) VCF-style: chr2-25047244-C-T.
Other names: c.2331+3G>A (NM_001377130.1); c.2598+3G>A (NM_001377129.1); c.2739+3G>A (NM_001320613.2); c.2802+3G>A (NM_001377128.1); c.2736+3G>A (NM_001377132.1); c.2013+3G>A (NM_001377131.1).
Identifiers: ClinVar variation 4986863 (VCV004986863.1).
Genomic context (GRCh38, chr2:24,824,375, plus strand): 5'-TGAAAGAAAGAACAGATGGAGACAAATGGCCTCATGGTTCCGGGCTGAGACCACACCCCT[C>T]ACCTCATCTCTCTTCTTGGACCCCAGGAAATGGCGTGCCACGTGCTCAGGCAACATGTTG-3'

ClinVar aggregate classification (germline): Likely benign (1 of 4 stars; one submission).

Conditions:
ADCY3-related disorder. Also called: ADCY3-related condition.

gnomAD v4.1: 1 of 1,614,050 alleles (0.000062%); highest among the groups gnomAD compares: Admixed American, 0.0017%; no homozygotes.

Submission:

PreventionGenetics, part of Exact Sciences
Classification: Likely benign for ADCY3-related condition. Last evaluated: 2026-03-23. Review status: criteria provided, single submitter. Criteria: ACMG Guidelines, 2015. Collection method: clinical testing. Allele origin: germline.
Comment: This variant is classified as likely benign based on ACMG/AMP sequence variant interpretation guidelines (Richards et al. 2015 PMID: 25741868, with internal and published modifications).